The following is an entry in ClinVar:

ClinVar aggregate classification (germline): Uncertain significance. Review status: criteria provided, multiple submitters, no conflicts (2 of 4 stars). 3 submissions from 3 submitters: Uncertain significance (3). Last evaluated 2026-02-20.

Conditions:
Inborn genetic diseases. Identifiers: MedGen C0950123, MeSH D030342.
Mosaic variegated aneuploidy syndrome 1 (MVA1). Also called: Warburton-Anyane-Yeboa syndrome. Identifiers: Orphanet 1052, MedGen C1850343, MONDO:0009759, OMIM 257300.

Allele frequency attached by ClinVar (database versions not stated): ExAC 0.00001; gnomAD 0.00002 and 0.00001; gnomAD exomes 0.00001 and 0.00002.
gnomAD v4.1: 21 of 1,614,028 alleles (0.0013%); highest among the groups gnomAD compares: East Asian, 0.0089%; no homozygotes.

Submissions (3):

St. Jude Molecular Pathology, St. Jude Children's Research Hospital
Classification: Uncertain significance for Mosaic variegated aneuploidy syndrome 1. Last evaluated: 2026-02-20. Review status: criteria provided, single submitter. Criteria: St. Jude Assertion Criteria 2020. Collection method: clinical testing. Allele origin: germline.
Comment: The BUB1B c.178C>T p.(Arg60Trp) missen se change has a maximum subpopulation frequency of 0.013%in gnomAD v2.1.1. The in silico tool REVEL predicts a benign effect on protein function, but to our knowledge this prediction has not been confirmed by function al studies. To our knowledge, this variant has not been reported in individuals with mosaic variegated aneuploidy syndrome. In summary, the evidence currently available is insufficient to determine the role of this variant in mosaic variegated aneuploidy syndrome. It has therefore been classified as of uncertain significance.

Labcorp Genetics (formerly Invitae), Labcorp
Classification: Uncertain significance for Mosaic variegated aneuploidy syndrome 1. Last evaluated: 2025-12-24. Review status: criteria provided, single submitter. Criteria: Invitae Variant Classification Sherloc (09022015). Collection method: clinical testing. Allele origin: germline.
Comment: This sequence change replaces arginine, which is basic and polar, with tryptophan, which is neutral and slightly polar, at codon 60 of the BUB1B protein (p.Arg60Trp). This variant is present in population databases (rs748915007, gnomAD 0.01%). This variant has not been reported in the literature in individuals affected with BUB1B-related conditions. ClinVar contains an entry for this variant (Variation ID: 660165). An algorithm developed to predict the effect of missense changes on protein structure and function outputs the following: PolyPhen-2: "Benign". The tryptophan amino acid residue is found in multiple mammalian species, which suggests that this missense change does not adversely affect protein function. In summary, the available evidence is currently insufficient to determine the role of this variant in disease. Therefore, it has been classified as a Variant of Uncertain Significance.

Ambry Genetics
Classification: Uncertain significance for Inborn genetic diseases. Last evaluated: 2025-04-13. Review status: criteria provided, single submitter. Criteria: Ambry Variant Classification Scheme 2023. Collection method: clinical testing. Allele origin: germline.

NM_001211.6(BUB1B):c.178C>T (p.Arg60Trp)

Gene: BUB1B (BUB1 mitotic checkpoint serine/threonine kinase B; plus strand). Cytogenetic location: 15q15.1.
Variant type: single nucleotide variant.
Coding change: c.178C>T on transcript NM_001211.6 (MANE Select); coding-DNA position 178, C replaced by T.
Protein change: p.Arg60Trp; replaces arginine 60 with tryptophan.
Molecular consequence: missense variant.
Genome position (GRCh38, 1-based): chr15:40,165,195, C>T. VCF-style: chr15-40165195-C-T. GRCh37 (hg19) VCF-style: chr15-40457396-C-T.
Other names: short protein forms R60W.
Identifiers: ClinVar variation 660165 (VCV000660165.12), dbSNP rs748915007, ClinGen allele CA7475361.